The following is an entry in ClinVar:

NM_020066.5(FMN2):c.3495T>G (p.Pro1165=)

Gene: FMN2 (formin 2; plus strand). Cytogenetic location: 1q43.
Variant type: single nucleotide variant.
Coding change: c.3495T>G on transcript NM_020066.5 (MANE Select); coding-DNA position 3495, T replaced by G.
Protein change: p.Pro1165=; no amino-acid change (proline 1165 retained).
Molecular consequence: synonymous variant. On other transcripts: intron variant (1).
Genome position (GRCh38, 1-based): chr1:240,208,307, T>G. VCF-style: chr1-240208307-T-G. GRCh37 (hg19) VCF-style: chr1-240371607-T-G.
Other names: c.3507T>G, p.Pro1169= (NM_001305424.2); c.1986+20045T>G (NM_001348094.2).
Identifiers: ClinVar variation 2640198 (VCV002640198.24), dbSNP rs530879262, ClinGen allele CA424386234.

ClinVar aggregate classification (germline): Likely benign (1 of 4 stars; one submission).

Submission:

CeGaT Center for Human Genetics Tuebingen
Classification: Likely benign. Last evaluated: 2026-07-01. Review status: criteria provided, single submitter. Criteria: CeGaT Center For Human Genetics Tuebingen Variant Classification Criteria Version 2. Collection method: clinical testing. Allele origin: germline. Affected: yes. Observed: 7 variant alleles.
Comment: FMN2: BP4, BP7